The following is an entry in ClinVar:

NM_000168.6(GLI3):c.2768C>G (p.Pro923Arg)

Gene: GLI3 (GLI family zinc finger 3; minus strand). Cytogenetic location: 7p14.1.
Variant type: single nucleotide variant.
Coding change: c.2768C>G on transcript NM_000168.6 (MANE Select); coding-DNA position 2768, C replaced by G.
Protein change: p.Pro923Arg; replaces proline 923 with arginine.
Molecular consequence: missense variant.
Genome position (GRCh38, 1-based): chr7:41,966,305, G>C on the plus strand (C>G on the coding strand, the complement: GLI3 is on the minus strand). VCF-style: chr7-41966305-G-C. GRCh37 (hg19) VCF-style: chr7-42005903-G-C.
Other names: short protein forms P923R.
Identifiers: ClinVar variation 3368762 (VCV003368762.1).

ClinVar aggregate classification (germline): Uncertain significance (1 of 4 stars; one submission).

Submission:

GeneDx
Classification: Uncertain significance. Last evaluated: 2024-02-01. Review status: criteria provided, single submitter. Criteria: GeneDx Variant Classification Process June 2021. Collection method: clinical testing. Allele origin: germline. Affected: yes.
Comment: Not observed at significant frequency in large population cohorts (gnomAD); In silico analysis supports that this missense variant has a deleterious effect on protein structure/function; Has not been previously published as pathogenic or benign to our knowledge